The following is an entry in ClinVar:

ClinVar aggregate classification (germline): Benign/Likely benign. Review status: criteria provided, multiple submitters, no conflicts (2 of 4 stars). 8 submissions from 8 submitters: Benign (2); Likely benign (6). Last evaluated 2025-12-24.

Conditions:
Cardiovascular phenotype. Identifiers: MedGen CN230736.
Distal myopathy with posterior leg and anterior hand involvement. Also called: WILLIAMS DISTAL MYOPATHY. Identifiers: Orphanet 63273, MedGen C3279722, MONDO:0013550, OMIM 614065.
Myofibrillar myopathy 5. Also called: Filaminopathy (type); FILAMINOPATHY, AUTOSOMAL DOMINANT. Identifiers: Orphanet 171445, MedGen C1836050, MONDO:0012289, OMIM 609524.
Hypertrophic cardiomyopathy 26. Also called: Cardiomyopathy, familial hypertrophic, 26. Identifiers: Orphanet 75249, MedGen C4310749, MONDO:0014883, OMIM 617047.

Allele frequency attached by ClinVar (database versions not stated): gnomAD 0.00003 and 0.00005; ExAC 0.00005; gnomAD exomes 0.00006; TOPMed 0.00008; ESP Exome Variant Server 0.00025.
gnomAD v4.1: 166 of 1,613,498 alleles (0.01%); highest among the groups gnomAD compares: Non-Finnish European, 0.013%; no homozygotes.

Submissions (8):

Labcorp Genetics (formerly Invitae), Labcorp
Classification: Likely benign for Distal myopathy with posterior leg and anterior hand involvement; Myofibrillar myopathy 5; Hypertrophic cardiomyopathy 26. Last evaluated: 2025-12-24. Review status: criteria provided, single submitter. Criteria: Invitae Variant Classification Sherloc (09022015). Collection method: clinical testing. Allele origin: germline.

Women's Health and Genetics/Laboratory Corporation of America, LabCorp
Classification: Benign. Last evaluated: 2025-07-07. Review status: criteria provided, single submitter. Criteria: LabCorp Variant Classification Summary - May 2015. Collection method: clinical testing. Allele origin: germline.

Molecular Diagnostic Laboratory for Inherited Cardiovascular Disease, Montreal Heart Institute
Classification: Likely benign. Last evaluated: 2025-04-09. Review status: criteria provided, single submitter. Criteria: ACMG Guidelines, 2015. Collection method: clinical testing. Allele origin: germline. Affected: no.

Blueprint Genetics
Classification: Likely benign. Last evaluated: 2024-09-19. Review status: criteria provided, single submitter. Criteria: ACMG Guidelines, 2015. Collection method: clinical testing. Allele origin: germline.

CeGaT Center for Human Genetics Tuebingen
Classification: Likely benign. Last evaluated: 2023-12-01. Review status: criteria provided, single submitter. Criteria: CeGaT Center For Human Genetics Tuebingen Variant Classification Criteria Version 2. Collection method: clinical testing. Allele origin: germline. Affected: yes. Observed: 1 variant allele.
Comment: FLNC: BP4, BP7

GeneDx
Classification: Likely benign. Last evaluated: 2021-02-26. Review status: criteria provided, single submitter. Criteria: GeneDx Variant Classification Process June 2021. Collection method: clinical testing. Allele origin: germline. Affected: yes.

Ambry Genetics
Classification: Likely benign for Cardiovascular phenotype. Last evaluated: 2019-10-18. Review status: criteria provided, single submitter. Criteria: Ambry Variant Classification Scheme 2023. Collection method: clinical testing. Allele origin: germline.

Athena Diagnostics
Classification: Benign. Last evaluated: 2018-07-12. Review status: criteria provided, single submitter. Criteria: Athena Diagnostics Criteria. Collection method: clinical testing. Allele origin: germline.

NM_001458.5(FLNC):c.4425G>A (p.Ala1475=)

Gene: FLNC (filamin C; plus strand). Cytogenetic location: 7q32.1.
Variant type: single nucleotide variant.
Coding change: c.4425G>A on transcript NM_001458.5 (MANE Select); coding-DNA position 4425, G replaced by A.
Protein change: p.Ala1475=; no amino-acid change (alanine 1475 retained).
Molecular consequence: synonymous variant.
Genome position (GRCh38, 1-based): chr7:128,847,833, G>A. VCF-style: chr7-128847833-G-A. GRCh37 (hg19) VCF-style: chr7-128487887-G-A.
Other names: c.4425G>A, p.Ala1475= (NM_001127487.2).
Identifiers: ClinVar variation 585874 (VCV000585874.42), dbSNP rs371971762, ClinGen allele CA4475330.